The following is an entry in ClinVar:

NM_000310.4(PPT1):c.628G>C (p.Gly210Arg)

Gene: PPT1 (palmitoyl-protein thioesterase 1; minus strand). Cytogenetic location: 1p34.2.
Variant type: single nucleotide variant.
Coding change: c.628G>C on transcript NM_000310.4 (MANE Select); coding-DNA position 628, G replaced by C.
Protein change: p.Gly210Arg; replaces glycine 210 with arginine.
Molecular consequence: missense variant.
Genome position (GRCh38, 1-based): chr1:40,078,658, C>G on the plus strand (G>C on the coding strand, the complement: PPT1 is on the minus strand). VCF-style: chr1-40078658-C-G. GRCh37 (hg19) VCF-style: chr1-40544330-C-G.
Other names: c.319G>C, p.Gly107Arg (NM_001142604.2); c.628G>C, p.Gly210Arg (NM_001363695.2); short protein forms G210R, G107R.
Identifiers: ClinVar variation 571825 (VCV000571825.10), dbSNP rs200434104, ClinGen allele CA789599.

ClinVar aggregate classification (germline): Uncertain significance. Review status: criteria provided, multiple submitters, no conflicts (2 of 4 stars). 5 submissions from 5 submitters: Uncertain significance (4). 1 of the submissions does not count toward it. Last evaluated 2024-08-30.

Conditions:
Neuronal ceroid lipofuscinosis 1 (CLN1). Also called: CEROID LIPOFUSCINOSIS, NEURONAL, 1, VARIABLE AGE AT ONSET; PPT1-Related Neuronal Ceroid-Lipofuscinosis. Identifiers: Orphanet 228329, MedGen C1850451, MONDO:0009744, OMIM 256730.

Allele frequency attached by ClinVar (database versions not stated): TOPMed 0.00001; gnomAD 0.00002 and 0.00003; 1000 Genomes Project 30x 0.00016; 1000 Genomes Project 0.00020.
gnomAD v4.1: 28 of 1,612,572 alleles (0.0017%); highest among the groups gnomAD compares: Admixed American, 0.0033%; no homozygotes.

Submissions (5):

Blueprint Genetics
Classification: Uncertain significance. Last evaluated: 2024-08-30. Review status: criteria provided, single submitter. Criteria: ACMG Guidelines, 2015. Collection method: clinical testing. Allele origin: germline.

GeneDx
Classification: Uncertain significance. Last evaluated: 2024-06-18. Review status: criteria provided, single submitter. Criteria: GeneDx Variant Classification Process June 2021. Collection method: clinical testing. Allele origin: germline. Affected: yes.
Comment: Not observed at significant frequency in large population cohorts (gnomAD); In silico analysis indicates that this missense variant does not alter protein structure/function; Has not been previously published as pathogenic or benign to our knowledge

Labcorp Genetics (formerly Invitae), Labcorp
Classification: Uncertain significance for Neuronal ceroid lipofuscinosis 1. Last evaluated: 2022-10-24. Review status: criteria provided, single submitter. Criteria: Invitae Variant Classification Sherloc (09022015). Collection method: clinical testing. Allele origin: germline.
Comment: This sequence change replaces glycine, which is neutral and non-polar, with arginine, which is basic and polar, at codon 210 of the PPT1 protein (p.Gly210Arg). This variant is present in population databases (rs200434104, gnomAD 0.005%). This variant has not been reported in the literature in individuals affected with PPT1-related conditions. ClinVar contains an entry for this variant (Variation ID: 571825). Algorithms developed to predict the effect of missense changes on protein structure and function (SIFT, PolyPhen-2, Align-GVGD) all suggest that this variant is likely to be tolerated. In summary, the available evidence is currently insufficient to determine the role of this variant in disease. Therefore, it has been classified as a Variant of Uncertain Significance.

Fulgent Genetics
Classification: Uncertain significance for Neuronal ceroid lipofuscinosis 1. Last evaluated: 2018-10-31. Review status: criteria provided, single submitter. Criteria: ACMG Guidelines, 2015. Collection method: clinical testing. Allele origin: unknown.

Natera, Inc.
Classification: Uncertain significance for Neuronal ceroid lipofuscinosis 1. Last evaluated: 2020-02-12. Review status: no assertion criteria provided. Collection method: clinical testing. Allele origin: germline. Not counted in ClinVar's aggregate classification.